The following is an entry in ClinVar:

NM_001374675.1(HSF4):c.-23C>T

Genes: HSF4 (heat shock transcription factor 4; plus strand), LOC125177334 (Sharpr-MPRA regulatory region 11796; plus strand). Cytogenetic location: 16q22.1.
Variant type: single nucleotide variant.
Coding change: c.-23C>T on transcript NM_001374675.1 (MANE Select); 23 bases upstream of the start codon, C replaced by T.
Molecular consequence: 5 prime UTR variant.
Genome position (GRCh38, 1-based): chr16:67,164,789, C>T. VCF-style: chr16-67164789-C-T. GRCh37 (hg19) VCF-style: chr16-67198692-C-T.
Other names: c.-23C>T (NM_001040667.3, NM_001374674.1, NM_001538.4).
Identifiers: ClinVar variation 320176 (VCV000320176.5), dbSNP rs760188385, ClinGen allele CA8101668.

ClinVar aggregate classification (germline): Benign (1 of 4 stars; one submission).

Conditions:
Cataract 5 multiple types (CTRCT5). Also called: CATARACT, MARNER TYPE; CATARACT 5, LAMELLAR; Lamellar cataract. Identifiers: Orphanet 91492, MedGen C0266537, MONDO:0007290, OMIM 116800, HP:0007971.

Allele frequency attached by ClinVar (database versions not stated): gnomAD exomes 0.00001 and 0.00002; ExAC 0.00004; gnomAD 0.00001; TOPMed 0.00002.
gnomAD v4.1: 11 of 1,581,340 alleles (0.0007%); highest among the groups gnomAD compares: East Asian, 0.025%; no homozygotes.

Submission:

Illumina Laboratory Services, Illumina
Classification: Benign for Cataract 5 multiple types. Last evaluated: 2018-01-13. Review status: criteria provided, single submitter. Criteria: ICSL Variant Classification Criteria 13 December 2019. Collection method: clinical testing. Allele origin: germline.
Comment: This variant was observed in the ICSL laboratory as part of a predisposition screen in an ostensibly healthy population. It had not been previously curated by ICSL or reported in the Human Gene Mutation Database (HGMD: prior to June 1st, 2018), and was therefore a candidate for classification through an automated scoring system. Utilizing variant allele frequency, disease prevalence and penetrance estimates, and inheritance mode, an automated score was calculated to assess if this variant is too frequent to cause the disease. Based on the score and internal cut-off values, a variant classified as benign is not then subjected to further curation. The score for this variant resulted in a classification of benign for this disease.